The following is an entry in ClinVar:

ClinVar aggregate classification (germline): Uncertain significance. Review status: criteria provided, multiple submitters, no conflicts (2 of 4 stars). 2 submissions from 2 submitters: Uncertain significance (2). Last evaluated 2025-05-25.

Conditions:
Inborn genetic diseases. Identifiers: MedGen C0950123, MeSH D030342.
Fanconi anemia (FA). Also called: Fanconi's anemia. Identifiers: Orphanet 84, MedGen C0015625, MeSH D005199, MONDO:0019391.

Allele frequency attached by ClinVar (database versions not stated): gnomAD exomes 0.00001 and 0.00003; ExAC 0.00002.
gnomAD v4.1: 6 of 1,613,912 alleles (0.00037%); highest among the groups gnomAD compares: East Asian, 0.011%; no homozygotes.

Submissions (2):

Ambry Genetics
Classification: Uncertain significance for Inborn genetic diseases. Last evaluated: 2025-05-25. Review status: criteria provided, single submitter. Criteria: Ambry Variant Classification Scheme 2023. Collection method: clinical testing. Allele origin: germline.
Comment: The p.M762I variant (also known as c.2286G>A), located in coding exon 13 of the FANCM gene, results from a G to A substitution at nucleotide position 2286. The methionine at codon 762 is replaced by isoleucine, an amino acid with highly similar properties. This amino acid position is conserved. In addition, this alteration is predicted to be tolerated by in silico analysis. Based on the available evidence, the clinical significance of this variant remains unclear.

Labcorp Genetics (formerly Invitae), Labcorp
Classification: Uncertain significance for Fanconi anemia. Last evaluated: 2024-06-28. Review status: criteria provided, single submitter. Criteria: Invitae Variant Classification Sherloc (09022015). Collection method: clinical testing. Allele origin: germline.
Comment: This sequence change replaces methionine, which is neutral and non-polar, with isoleucine, which is neutral and non-polar, at codon 762 of the FANCM protein (p.Met762Ile). This variant is present in population databases (rs768567945, gnomAD 0.04%). This variant has not been reported in the literature in individuals affected with FANCM-related conditions. ClinVar contains an entry for this variant (Variation ID: 1449519). An algorithm developed to predict the effect of missense changes on protein structure and function (PolyPhen-2) suggests that this variant is likely to be tolerated. In summary, the available evidence is currently insufficient to determine the role of this variant in disease. Therefore, it has been classified as a Variant of Uncertain Significance.

NM_020937.4(FANCM):c.2286G>A (p.Met762Ile)

Gene: FANCM (FA complementation group M; plus strand). Cytogenetic location: 14q21.2.
Variant type: single nucleotide variant.
Coding change: c.2286G>A on transcript NM_020937.4 (MANE Select); coding-DNA position 2286, G replaced by A.
Protein change: p.Met762Ile; replaces methionine 762 with isoleucine.
Molecular consequence: missense variant.
Genome position (GRCh38, 1-based): chr14:45,173,180, G>A. VCF-style: chr14-45173180-G-A. GRCh37 (hg19) VCF-style: chr14-45642383-G-A.
Other names: c.2286G>A (NM_020937.2); c.2208G>A, p.Met736Ile (NM_001308133.2); short protein forms M736I, M762I.
Identifiers: ClinVar variation 1449519 (VCV001449519.7), dbSNP rs768567945, ClinGen allele CA7169309.